The following is an entry in ClinVar:

NM_004415.4(DSP):c.3739C>T (p.Arg1247Ter)

Gene: DSP (desmoplakin; plus strand). Cytogenetic location: 6p24.3.
Variant type: single nucleotide variant.
Coding change: c.3739C>T on transcript NM_004415.4 (MANE Select); coding-DNA position 3739, C replaced by T.
Protein change: p.Arg1247Ter; replaces arginine 1247 with a stop codon.
Molecular consequence: nonsense. On other transcripts: intron variant (1).
Genome position (GRCh38, 1-based): chr6:7,579,929, C>T. VCF-style: chr6-7579929-C-T. GRCh37 (hg19) VCF-style: chr6-7580162-C-T.
Other names: c.3739C>T, p.Arg1247Ter (NM_001319034.2); c.3582+157C>T (NM_001008844.3); short protein forms R1247*.
Identifiers: ClinVar variation 1075207 (VCV001075207.13), dbSNP rs1413961070, ClinGen allele CA362684754.

ClinVar aggregate classification (germline): Pathogenic/Likely pathogenic. Review status: criteria provided, multiple submitters, no conflicts (2 of 4 stars). 4 submissions from 4 submitters: Pathogenic (3); Likely pathogenic (1). Last evaluated 2024-11-10.

Conditions:
DSP-related disorder. Also called: DSP-related disorders; DSP-related condition.
Arrhythmogenic right ventricular dysplasia 8 (ARVD8). Also called: Arrhythmogenic Right Ventricular Dysplasia/Cardiomyopathy 8; ARRHYTHMOGENIC RIGHT VENTRICULAR DYSPLASIA, FAMILIAL, 8; ARRHYTHMOGENIC RIGHT VENTRICULAR CARDIOMYOPATHY 8. Identifiers: MedGen C1843896, MONDO:0011831, OMIM 607450.
Cardiomyopathy, dilated, with wooly hair, keratoderma, and tooth agenesis. Also called: Erythrokeratodermia-cardiomyopathy syndrome; Cardiomyopathy, dilated, with woolly hair, keratoderma, and tooth agenesis. Identifiers: Orphanet 476096, Orphanet 65282, MedGen C4014393, MONDO:0014355, OMIM 615821.
Arrhythmogenic cardiomyopathy with wooly hair and keratoderma. Also called: Arrhythmogenic cardiomyopathy with woolly hair and keratoderma; PALMOPLANTAR KERATODERMA WITH LEFT VENTRICULAR CARDIOMYOPATHY AND WOOLLY HAIR; Carvajal syndrome; Dilated cardiomyopathy with woolly hair and keratoderma. Identifiers: Orphanet 65282, MedGen C1854063, MONDO:0011581, OMIM 605676.

Allele frequency attached by ClinVar (database versions not stated): gnomAD exomes below 0.00001; gnomAD 0.00001.
gnomAD v4.1: 4 of 1,613,918 alleles (0.00025%); highest among the groups gnomAD compares: Non-Finnish European, 0.00034%; no homozygotes.

Submissions (4):

Labcorp Genetics (formerly Invitae), Labcorp
Classification: Pathogenic for Arrhythmogenic cardiomyopathy with wooly hair and keratoderma; Arrhythmogenic right ventricular dysplasia 8. Last evaluated: 2024-11-10. Review status: criteria provided, single submitter. Criteria: Invitae Variant Classification Sherloc (09022015). Collection method: clinical testing. Allele origin: germline.
Comment: This sequence change creates a premature translational stop signal (p.Arg1247*) in the DSP gene. It is expected to result in an absent or disrupted protein product. Loss-of-function variants in DSP are known to be pathogenic (PMID: 20716751, 24503780, 25227139). This variant is present in population databases (no rsID available, gnomAD 0.007%). This premature translational stop signal has been observed in individual(s) with dilated cardiomyopathy (PMID: 31983221). ClinVar contains an entry for this variant (Variation ID: 1075207). For these reasons, this variant has been classified as Pathogenic.

All of Us Research Program, National Institutes of Health
Classification: Pathogenic for Arrhythmogenic cardiomyopathy with wooly hair and keratoderma. Last evaluated: 2024-07-29. Review status: criteria provided, single submitter. Criteria: ACMG Guidelines, 2015. Collection method: clinical testing. Allele origin: germline. Inheritance: Autosomal dominant inheritance. Observed: 1 variant allele, 1 heterozygote.
Comment: This variant changes 1 nucleotide in exon 23/24 of the DSP gene, creating a premature translation stop signal. This variant is expected to result in an absent or non-functional protein product. This variant has been reported in an individual affected with dilated cardiomyopathy (PMID: 31983221). This variant has been identified in 1/31380 chromosomes in the general population by the Genome Aggregation Database (gnomAD). Loss of DSP function is a known mechanism of disease. Based on the available evidence, this variant is classified as Pathogenic.

This study involves interpretation of variants in research participants for the purpose of population health screening. Participant phenotype was not available at the time of variant classification. Additional details can be found in publication PMID: 35346344, PMCID: PMC8962531

Blueprint Genetics
Classification: Likely pathogenic for DSP-related disorders. Last evaluated: 2020-01-08. Review status: criteria provided, single submitter. Criteria: ACMG Guidelines, 2015. Collection method: clinical testing. Allele origin: germline. Affected: yes. Observed: 1 variant allele.

Juno Genomics, Hangzhou Juno Genomics, Inc
Classification: Pathogenic for Arrhythmogenic right ventricular dysplasia 8; Cardiomyopathy, dilated, with wooly hair, keratoderma, and tooth agenesis. Review status: criteria provided, single submitter. Criteria: ACMG Guidelines, 2015. Collection method: clinical testing. Allele origin: germline.
Comment: Absent from controls (or at extremely low frequency if recessive) in Genome Aggregation Database.;Null variant in a gene where loss of function (LOF) is a known mechanism of disease.;Patient's phenotype or family history is highly specific for a disease with a single genetic etiology.

Literature cited by the submitters: PubMed 20716751 (cited by Labcorp Genetics (formerly Invitae), Labcorp); PubMed 24503780 (cited by Labcorp Genetics (formerly Invitae), Labcorp); PubMed 25227139 (cited by Labcorp Genetics (formerly Invitae), Labcorp); PubMed 31983221 (cited by Labcorp Genetics (formerly Invitae), Labcorp and All of Us Research Program, National Institutes of Health).